The following is an entry in ClinVar:

ClinVar aggregate classification (germline): Uncertain significance (1 of 4 stars; one submission).

Conditions:
Familial adenomatous polyposis 1 (FAP1). Also called: FAMILIAL ADENOMATOUS POLYPOSIS 1, ATTENUATED; POLYPOSIS, ADENOMATOUS INTESTINAL. Identifiers: MedGen C2713442, MONDO:0021056, OMIM 175100. Disease mechanism: loss of function.

Allele frequency attached by ClinVar (database versions not stated): TOPMed 0.00001.
gnomAD v4.1: 21 of 847,710 alleles (0.0025%); highest among the groups gnomAD compares: Non-Finnish European, 0.0036%; no homozygotes.

Submission:

Labcorp Genetics (formerly Invitae), Labcorp
Classification: Uncertain significance for Familial adenomatous polyposis 1. Last evaluated: 2025-10-04. Review status: criteria provided, single submitter. Criteria: Invitae Variant Classification Sherloc (09022015). Collection method: clinical testing. Allele origin: germline.
Comment: This variant occurs in a non-coding region of the APC gene. It does not change the encoded amino acid sequence of the APC protein. This variant is not present in population databases (gnomAD no frequency). This variant has not been reported in the literature in individuals affected with APC-related conditions. ClinVar contains an entry for this variant (Variation ID: 537628). Experimental studies and prediction algorithms are not available or were not evaluated, and the functional significance of this variant is currently unknown. In summary, the available evidence is currently insufficient to determine the role of this variant in disease. Therefore, it has been classified as a Variant of Uncertain Significance.

NM_001127511.3(APC):c.-145C>G

Gene: APC (APC regulator of Wnt signaling pathway; plus strand). Cytogenetic location: 5q22.2.
Variant type: single nucleotide variant.
Coding change: c.-145C>G on transcript NM_001127511.3; 145 bases upstream of the start codon, C replaced by G.
Molecular consequence: 5 prime UTR variant. On other transcripts: non-coding transcript variant (2).
Genome position (GRCh38, 1-based): chr5:112,707,573, C>G. VCF-style: chr5-112707573-C-G. GRCh37 (hg19) VCF-style: chr5-112043270-C-G.
Other names: c.-328C>G (NM_001354895.2, NM_001407447.1, NM_001407452.1 and 3 more transcripts); c.-145C>G (NM_001354897.2, NM_001354902.2, NM_001407446.1); c.-95C>G (NM_001407448.1, NM_001407450.1, NM_001407457.1 and 1 more transcripts); c.-119C>G (NM_001407453.1); c.-1363C>G (NM_001407470.1, NM_001407472.1).
Identifiers: ClinVar variation 537628 (VCV000537628.11), dbSNP rs986030414, ClinGen allele CA124924910.
Genomic context (GRCh38, chr5:112,707,573, plus strand): 5'-CACCTCCCACAAGATGGCGGAGGGCAAGTAGCAAGGGGGCGGGGTGTGGCCGCCGGAAGC[C>G]TAGCCGCTGCTCGGGGGGGACCTGCGGGCTCAGGCCCGGGAGCTGCGGACCGAGGTTGGC-3'